The following is an entry in ClinVar:

NM_000138.5(FBN1):c.7559C>T (p.Thr2520Met)

Gene: FBN1 (fibrillin 1; minus strand). Cytogenetic location: 15q21.1.
Variant type: single nucleotide variant.
Coding change: c.7559C>T on transcript NM_000138.5 (MANE Select); coding-DNA position 7559, C replaced by T.
Protein change: p.Thr2520Met; replaces threonine 2520 with methionine.
Molecular consequence: missense variant.
Genome position (GRCh38, 1-based): chr15:48,421,963, G>A on the plus strand (C>T on the coding strand, the complement: FBN1 is on the minus strand). VCF-style: chr15-48421963-G-A. GRCh37 (hg19) VCF-style: chr15-48714160-G-A.
Other names: short protein forms T2520M.
Identifiers: ClinVar variation 495649 (VCV000495649.22), dbSNP rs763759308, ClinGen allele CA058775.

ClinVar aggregate classification (germline): Conflicting classifications of pathogenicity. Review status: criteria provided, conflicting classifications (1 of 4 stars). 8 submissions from 8 submitters: Uncertain significance (6); Likely benign (2). Last evaluated 2025-08-06.

Conditions:
Marfan syndrome (MFS). Also called: MARFAN SYNDROME, TYPE I; FBN1-Related Marfan Syndrome; Marfan syndrome type 1; Marfan's syndrome; Marfan syndrome, classic. Identifiers: Orphanet 284963, Orphanet 558, MedGen C0024796, MONDO:0007947, OMIM 154700.
Familial thoracic aortic aneurysm and aortic dissection (TAAD). Also called: Thoracic aortic aneurysms and dissections. Identifiers: Orphanet 91387, MedGen C4707243, MONDO:0019625.
Weill-Marchesani syndrome 2, dominant. Also called: FBN1-Related Weill-Marchesani Syndrome; Weill-Marchesani Syndrome, Autosomal Dominant. Identifiers: Orphanet 2084, MedGen C1869115, MONDO:0012013, OMIM 608328.

Allele frequency attached by ClinVar (database versions not stated): gnomAD 0.00001; ExAC 0.00002; TOPMed 0.00006.
gnomAD v4.1: 74 of 1,609,154 alleles (0.0046%); highest among the groups gnomAD compares: East Asian, 0.029%; no homozygotes.

Submissions (8):

GeneDx
Classification: Uncertain significance. Last evaluated: 2025-08-06. Review status: criteria provided, single submitter. Criteria: GeneDx Variant Classification Process June 2021. Collection method: clinical testing. Allele origin: germline. Affected: yes.
Comment: Does not affect a cysteine or calcium-binding residue within an EGF-like domain or a TGF-binding protein domain of the FBN1 gene; cysteine substitutions in the EGF-like domains represent the majority of pathogenic missense changes associated with FBN1-related disorders (PMID: 12938084); In silico analysis supports that this missense variant has a deleterious effect on protein structure/function; This variant is associated with the following publications: (PMID: 32883240, 28941062, 25053872, 34150014, 31211626, 12938084, 34957211, 17657824, 37337769, 38190127)

Color Diagnostics, LLC DBA Color Health
Classification: Uncertain significance for Familial thoracic aortic aneurysm and aortic dissection. Last evaluated: 2025-02-18. Review status: criteria provided, single submitter. Criteria: ACMG Guidelines, 2015. Collection method: clinical testing. Allele origin: germline.
Comment: This missense variant replaces threonine with methionine at codon 2520 of the FBN1 protein. Computational prediction tool is inconclusive regarding the impact of this variant on protein structure and function. To our knowledge, functional studies have not been performed for this variant. This variant has been reported in individuals affected with Marfan syndrome (PMID: 17657824, 25053872, 34957211) and thoracic aortic aneurysm or dissection (PMID: 34150014, 34498425), as well as in an individual with Marfan syndrome-related cardiovascular phenotype (PMID: 31211626). It has been shown that this variant did not segregate with disease in several individuals across two families (PMID: 34498425, 34957211). This variant has been observed in an individual affected with ectopia lentis, who also carried a pathogenic truncation variant in the same gene (PMID: 28941062). This variant has also been identified in 12/282648 chromosomes in the general population by the Genome Aggregation Database (gnomAD). The available evidence is insufficient to determine the role of this variant in disease conclusively. Therefore, this variant is classified as a Variant of Uncertain Significance.

Labcorp Genetics (formerly Invitae), Labcorp
Classification: Uncertain significance for Marfan syndrome; Familial thoracic aortic aneurysm and aortic dissection. Last evaluated: 2024-11-16. Review status: criteria provided, single submitter. Criteria: Invitae Variant Classification Sherloc (09022015). Collection method: clinical testing. Allele origin: germline.
Comment: This sequence change replaces threonine, which is neutral and polar, with methionine, which is neutral and non-polar, at codon 2520 of the FBN1 protein (p.Thr2520Met). This variant is present in population databases (rs763759308, gnomAD 0.03%). This missense change has been observed in individuals with clinical features of Marfan syndrome and/or clinical features of Marfan syndrome/FBN1-related conditions (PMID: 17657824, 25053872, 28941062, 31211626, 34150014, 37337769). ClinVar contains an entry for this variant (Variation ID: 495649). Invitae Evidence Modeling of protein sequence and biophysical properties (such as structural, functional, and spatial information, amino acid conservation, physicochemical variation, residue mobility, and thermodynamic stability) indicates that this missense variant is expected to disrupt FBN1 protein function with a positive predictive value of 95%. In summary, the available evidence is currently insufficient to determine the role of this variant in disease. Therefore, it has been classified as a Variant of Uncertain Significance.

Blueprint Genetics
Classification: Uncertain significance. Last evaluated: 2024-08-26. Review status: criteria provided, single submitter. Criteria: ACMG Guidelines, 2015. Collection method: clinical testing. Allele origin: germline.

All of Us Research Program, National Institutes of Health
Classification: Uncertain significance for Marfan syndrome. Last evaluated: 2024-03-05. Review status: criteria provided, single submitter. Criteria: ACMG Guidelines, 2015. Collection method: clinical testing. Allele origin: germline. Inheritance: Autosomal dominant inheritance. Observed: 20 variant alleles, 20 heterozygotes.
Comment: This missense variant replaces threonine with methionine at codon 2520 of the FBN1 protein. Computational prediction is inconclusive regarding the impact of this variant on protein structure and function (internally defined REVEL score threshold 0.5 < inconclusive < 0.7, PMID: 27666373). To our knowledge, functional studies have not been performed for this variant. This variant has been reported in individuals affected with Marfan syndrome (PMID: 17657824, 25053872, 34957211) and thoracic aortic aneurysm or dissection (PMID: 34150014, 34498425), as well as in an individual with Marfan syndrome-related cardiovascular phenotype (PMID: 31211626). The variant has been reported to lack segregation with phenotypes in two of the families (PMID: 34498425, 34957211). This variant has been observed in an individual with ectopia lentis, who also carried a pathogenic truncation variant in the same gene (PMID: 28941062). This variant has also been identified in 12/282648 chromosomes in the general population by the Genome Aggregation Database (gnomAD). The available evidence is insufficient to determine the role of this variant in disease conclusively. Therefore, this variant is classified as a Variant of Uncertain Significance.

This study involves interpretation of variants in research participants for the purpose of population health screening. Participant phenotype was not available at the time of variant classification. Additional details can be found in publication PMID: 35346344, PMCID: PMC8962531

Ambry Genetics
Classification: Likely benign for Familial thoracic aortic aneurysm and aortic dissection. Last evaluated: 2023-08-03. Review status: criteria provided, single submitter. Criteria: Ambry Variant Classification Scheme 2023. Collection method: clinical testing. Allele origin: germline.

Women's Health and Genetics/Laboratory Corporation of America, LabCorp
Classification: Likely benign. Last evaluated: 2019-05-06. Review status: criteria provided, single submitter. Criteria: LabCorp Variant Classification Summary - May 2015. Collection method: clinical testing. Allele origin: germline.
Comment: Variant summary: FBN1 c.7559C>T (p.Thr2520Met) results in a non-conservative amino acid change located in the EGF-like calcium-binding domain (IPR001881) of the encoded protein sequence. Four of five in-silico tools predict a damaging effect of the variant on protein function. The variant allele was found at a frequency of 4.4e-05 in 251404 control chromosomes. This frequency is not significantly higher than expected for a pathogenic variant in FBN1 causing Marfan Syndrome (4.4e-05 vs 0.00011), allowing no conclusion about variant significance. c.7559C>T has been reported in the literature in individuals with non-classical features Marfan Syndrome (Comeglio_2007, Vatti_2017, Li_2014). These report(s) do not provide unequivocal conclusions about association of the variant with Marfan Syndrome. Co-occurrences with an identical pathogenic variant in the FBN1 gene have been reported in the literature (Vatti_2017) and in our internal testing (FBN1 c.6940_6943dupTACA, p.Thr2315IlefsX4), providing supporting evidence for a benign role. To our knowledge, no experimental evidence demonstrating an impact on protein function has been reported. One clinical diagnostic laboratory has submitted clinical-significance assessments for this variant to ClinVar after 2014 without evidence for independent evaluation and classified the variant as uncertain significance. Based on the evidence outlined above, the variant was re-classified as likely benign.

Institute of Human Genetics, University Hospital of Duesseldorf
Classification: Uncertain significance for Weill-Marchesani syndrome 2, dominant. Review status: criteria provided, single submitter. Criteria: ACMG Guidelines, 2015. Collection method: not provided. Allele origin: germline. Inheritance: Autosomal dominant inheritance. Affected: yes.

Literature cited by the submitters: PubMed 17657824 (cited by 5 submitters); PubMed 25053872 (cited by 4 submitters); PubMed 28941062 (cited by 5 submitters); PubMed 31211626 (cited by 3 submitters); PubMed 34150014 (cited by 3 submitters); PubMed 34498425 (cited by Color Diagnostics, LLC DBA Color Health and All of Us Research Program, National Institutes of Health); PubMed 34957211 (cited by Color Diagnostics, LLC DBA Color Health and All of Us Research Program, National Institutes of Health); PubMed 37337769 (cited by Labcorp Genetics (formerly Invitae), Labcorp); PubMed 28054583 (cited by Ambry Genetics).